The following is an entry in ClinVar:

NM_015041.3(CLUAP1):c.73G>C (p.Glu25Gln)

Gene: CLUAP1 (clusterin associated protein 1; plus strand). Cytogenetic location: 16p13.3.
Variant type: single nucleotide variant.
Coding change: c.73G>C on transcript NM_015041.3 (MANE Select); coding-DNA position 73, G replaced by C.
Protein change: p.Glu25Gln; replaces glutamic acid 25 with glutamine.
Molecular consequence: missense variant.
Genome position (GRCh38, 1-based): chr16:3,504,770, G>C. VCF-style: chr16-3504770-G-C. GRCh37 (hg19) VCF-style: chr16-3554770-G-C.
Other names: c.73G>C, p.Glu25Gln (NM_001330454.2); short protein forms E25Q.
Identifiers: ClinVar variation 2038465 (VCV002038465.4), dbSNP rs2543922481, ClinGen allele CA394510724.
Genomic context (GRCh38, chr16:3,504,770, plus strand): 5'-CCTTGGACAGATTTCACAGAGATGATGAGAGCCCTGGGATACCCTCGACATATTTCTATG[G>C]AAAATTTCCGTACACCCAATTTTGGACTTGTATCTGAAGTGCTTCTCTGGCTTGTGAAAA-3'
Protein context (NP_055856.1, residues 15-35): ALGYPRHISM[Glu25Gln]NFRTPNFGLV

ClinVar aggregate classification (germline): Uncertain significance (1 of 4 stars; one submission).

Allele frequency attached by ClinVar (database versions not stated): gnomAD exomes below 0.00001.
gnomAD v4.1: 5 of 1,613,792 alleles (0.00031%); highest among the groups gnomAD compares: African/African-American, 0.0013%; no homozygotes.

Submission:

Labcorp Genetics (formerly Invitae), Labcorp
Classification: Uncertain significance. Last evaluated: 2022-08-09. Review status: criteria provided, single submitter. Criteria: Invitae Variant Classification Sherloc (09022015). Collection method: clinical testing. Allele origin: germline.
Comment: This sequence change replaces glutamic acid, which is acidic and polar, with glutamine, which is neutral and polar, at codon 25 of the CLUAP1 protein (p.Glu25Gln). This variant is not present in population databases (gnomAD no frequency). This variant has not been reported in the literature in individuals affected with CLUAP1-related conditions. Algorithms developed to predict the effect of missense changes on protein structure and function are either unavailable or do not agree on the potential impact of this missense change (SIFT: "Tolerated"; PolyPhen-2: "Probably Damaging"; Align-GVGD: "Class C0"). Algorithms developed to predict the effect of sequence changes on RNA splicing suggest that this variant may disrupt the consensus splice site. In summary, the available evidence is currently insufficient to determine the role of this variant in disease. Therefore, it has been classified as a Variant of Uncertain Significance.